The following is an entry in ClinVar:

ClinVar aggregate classification (germline): Pathogenic (1 of 4 stars; one submission).

Conditions:
Recessive dystrophic epidermolysis bullosa (RDEB). Also called: DYSTROPHIC EPIDERMOLYSIS BULLOSA, AUTOSOMAL RECESSIVE; EPIDERMOLYSIS BULLOSA DYSTROPHICA, HALLOPEAU-SIEMENS TYPE; Hallopeau-Siemens Disease; severe generalized recessive dystrophic epidermolysis bullosa; EPIDERMOLYSIS BULLOSA DYSTROPHICA, GENERALIZED SEVERE, AUTOSOMAL RECESSIVE; Epidermolysis Bullosa Distrophica Autosomal Recessive (RDEB). Identifiers: Orphanet 79408, Orphanet 79409, MedGen C0079474, MONDO:0009179, OMIM 226600.

Submission:

Myriad Genetics, Inc.
Classification: Pathogenic for Recessive dystrophic epidermolysis bullosa. Last evaluated: 2025-10-21. Review status: criteria provided, single submitter. Criteria: Myriad Autosomal Dominant, Autosomal Recessive and X-Linked Classification Criteria (2023). Collection method: clinical testing. Allele origin: unknown.
Comment: NM_000094.3(COL7A1):c.5063delG(G1688Dfs*22) is expected to be pathogenic in the context of dystrophic epidermolysis bullosa. This variant is predicted to lead to an abnormal or absent protein product due to the creation of a premature termination codon in COL7A1, a gene where loss-of-function variants are known to be pathogenic. Please note: this variant was assessed in the context of healthy population screening.

NM_000094.4(COL7A1):c.5063del (p.Gly1688fs)

Gene: COL7A1 (collagen type VII alpha 1 chain; minus strand). Cytogenetic location: 3p21.31.
Variant type: Deletion.
Coding change: c.5063del on transcript NM_000094.4 (MANE Select); coding-DNA position 5063, one base deleted (G; older notation c.5063delG).
Protein change: p.Gly1688fs; shifts the reading frame from glycine 1688.
Molecular consequence: frameshift variant.
Genome position (GRCh38, 1-based): chr3:48,580,334, C deleted on the plus strand (G on the coding strand, the reverse complement: COL7A1 is on the minus strand); the first of 2 consecutive C bases (chr3:48,580,334-48,580,335); deleting either gives the same sequence. VCF-style (leftmost placement, unchanged base first): chr3-48580333-TC-T. GRCh37 (hg19) VCF-style: chr3-48617766-TC-T.
Other names: short protein forms G1688fs.
Identifiers: ClinVar variation 5015117 (VCV005015117.1).
Genomic context (GRCh38, chr3:48,580,333, plus strand): 5'-TGAGCCCAGGACACCAGCCCTACTCACCGGCTCCCCACGGTCACCCTTGGGTCCAGATGA[TC>T]CAGGGCTGCCCTGCAGAAAGGCAGGGGTCAGGGCCACTCAAGGTAGGCAGCAGTTTGGGA-3'